The following is an entry in ClinVar:

ClinVar aggregate classification (germline): Likely benign. Review status: criteria provided, multiple submitters, no conflicts (2 of 4 stars). 2 submissions from 2 submitters: Likely benign (2). Last evaluated 2025-11-11.

Conditions:
HGSNAT-related disorder. Also called: HGSNAT-related condition.
Mucopolysaccharidosis, MPS-III-C (MPS3C). Also called: MPS III C; Mucopolysaccharidosis type IIIC (Sanfilippo C); SANFILIPPO SYNDROME C; MUCOPOLYSACCHARIDOSIS, TYPE IIIC; mucopolysaccharidosis type 3C; MPS IIIC (Sanfilippo Syndrome Type C). Identifiers: Orphanet 581, Orphanet 79271, MedGen C0086649, MONDO:0009657, OMIM 252930.
Retinitis pigmentosa 73 (RP73). Identifiers: Orphanet 791, MedGen C4225287, MONDO:0014687, OMIM 616544.

Allele frequency attached by ClinVar (database versions not stated): gnomAD exomes 0.00001; TOPMed below 0.00001; ExAC 0.00001; gnomAD 0.00001.
gnomAD v4.1: 12 of 1,606,078 alleles (0.00075%); highest among the groups gnomAD compares: African/African-American, 0.0013%; no homozygotes.

Submissions (2):

PreventionGenetics, part of Exact Sciences
Classification: Likely benign for HGSNAT-related condition. Last evaluated: 2025-11-11. Review status: criteria provided, single submitter. Criteria: ACMG Guidelines, 2015. Collection method: clinical testing. Allele origin: germline.
Comment: This variant is classified as likely benign based on ACMG/AMP sequence variant interpretation guidelines (Richards et al. 2015 PMID: 25741868, with internal and published modifications).

Labcorp Genetics (formerly Invitae), Labcorp
Classification: Likely benign for Retinitis pigmentosa 73; Mucopolysaccharidosis, MPS-III-C. Last evaluated: 2024-01-02. Review status: criteria provided, single submitter. Criteria: Invitae Variant Classification Sherloc (09022015). Collection method: clinical testing. Allele origin: germline.

NM_152419.3(HGSNAT):c.1543-7A>G

Gene: HGSNAT (heparan-alpha-glucosaminide N-acetyltransferase; plus strand). Cytogenetic location: 8p11.21.
Variant type: single nucleotide variant.
Coding change: c.1543-7A>G on transcript NM_152419.3 (MANE Select); 7 bases into the intron before coding-DNA position 1543, A replaced by G.
Molecular consequence: intron variant.
Genome position (GRCh38, 1-based): chr8:43,197,665, A>G. VCF-style: chr8-43197665-A-G. GRCh37 (hg19) VCF-style: chr8-43052808-A-G.
Other names: c.1543-7A>G (NM_152419.2); c.1630-7A>G (NM_001363227.2); c.679-7A>G (NM_001363229.2); c.1351-7A>G (NM_001363228.2).
Identifiers: ClinVar variation 1137350 (VCV001137350.8), dbSNP rs781471935, ClinGen allele CA4736946.